The following is an entry in ClinVar:

ClinVar aggregate classification (germline): Uncertain significance (1 of 4 stars; one submission).

Submission:

Labcorp Genetics (formerly Invitae), Labcorp
Classification: Uncertain significance. Last evaluated: 2022-02-10. Review status: criteria provided, single submitter. Criteria: Invitae Variant Classification Sherloc (09022015). Collection method: clinical testing. Allele origin: germline.
Comment: In summary, the available evidence is currently insufficient to determine the role of this variant in disease. Therefore, it has been classified as a Variant of Uncertain Significance. Algorithms developed to predict the effect of missense changes on protein structure and function (SIFT, PolyPhen-2, Align-GVGD) all suggest that this variant is likely to be tolerated. This variant has not been reported in the literature in individuals affected with CAD-related conditions. This variant is not present in population databases (gnomAD no frequency). This sequence change replaces glycine, which is neutral and non-polar, with arginine, which is basic and polar, at codon 1543 of the CAD protein (p.Gly1543Arg).

NM_004341.5(CAD):c.4627G>A (p.Gly1543Arg)

Gene: CAD (carbamoyl-phosphate synthetase 2, aspartate transcarbamylase, and dihydroorotase; plus strand). Cytogenetic location: 2p23.3.
Variant type: single nucleotide variant.
Coding change: c.4627G>A on transcript NM_004341.5 (MANE Select); coding-DNA position 4627, G replaced by A.
Protein change: p.Gly1543Arg; replaces glycine 1543 with arginine.
Molecular consequence: missense variant.
Genome position (GRCh38, 1-based): chr2:27,237,781, G>A. VCF-style: chr2-27237781-G-A. GRCh37 (hg19) VCF-style: chr2-27460649-G-A.
Other names: c.4438G>A, p.Gly1480Arg (NM_001306079.2); short protein forms G1480R, G1543R.
Identifiers: ClinVar variation 2090852 (VCV002090852.4), dbSNP rs2465346951, ClinGen allele CA346221058.